The following is an entry in ClinVar:

ClinVar aggregate classification (germline): Uncertain significance. Review status: criteria provided, multiple submitters, no conflicts (2 of 4 stars). 2 submissions from 2 submitters: Uncertain significance (2). Last evaluated 2025-05-16.

Allele frequency attached by ClinVar (database versions not stated): gnomAD exomes below 0.00001; gnomAD 0.00001; TOPMed 0.00001.
gnomAD v4.1: 4 of 1,614,074 alleles (0.00025%); highest among the groups gnomAD compares: Admixed American, 0.0017%; no homozygotes.

Submissions (2):

Ambry Genetics
Classification: Uncertain significance. Last evaluated: 2025-05-16. Review status: criteria provided, single submitter. Criteria: Ambry Variant Classification Scheme 2023. Collection method: clinical testing. Allele origin: germline.

Labcorp Genetics (formerly Invitae), Labcorp
Classification: Uncertain significance. Last evaluated: 2023-05-12. Review status: criteria provided, single submitter. Criteria: Invitae Variant Classification Sherloc (09022015). Collection method: clinical testing. Allele origin: germline.
Comment: In summary, the available evidence is currently insufficient to determine the role of this variant in disease. Therefore, it has been classified as a Variant of Uncertain Significance. Advanced modeling of protein sequence and biophysical properties (such as structural, functional, and spatial information, amino acid conservation, physicochemical variation, residue mobility, and thermodynamic stability) performed at Invitae indicates that this missense variant is expected to disrupt KANK1 protein function. This variant has not been reported in the literature in individuals affected with KANK1-related conditions. This variant is not present in population databases (gnomAD no frequency). This sequence change replaces phenylalanine, which is neutral and non-polar, with serine, which is neutral and polar, at codon 1143 of the KANK1 protein (p.Phe1143Ser).

NM_015158.5(KANK1):c.3428T>C (p.Phe1143Ser)

Genes: KANK1 (KN motif and ankyrin repeat domains 1; plus strand), LOC126860554 (MED14-independent group 3 enhancer GRCh37_chr9:737889-739088; plus strand). Cytogenetic location: 9p24.3.
Variant type: single nucleotide variant.
Coding change: c.3428T>C on transcript NM_015158.5 (MANE Select); coding-DNA position 3428, T replaced by C.
Protein change: p.Phe1143Ser; replaces phenylalanine 1143 with serine.
Molecular consequence: missense variant. On other transcripts: non-coding transcript variant (1).
Genome position (GRCh38, 1-based): chr9:738,379, T>C. VCF-style: chr9-738379-T-C. GRCh37 (hg19) VCF-style: chr9-738379-T-C.
Other names: c.3428T>C, p.Phe1143Ser (NM_001256876.3, NM_001256877.3, NM_001354334.2); c.3188T>C, p.Phe1063Ser (NM_001354331.2); c.3374T>C, p.Phe1125Ser (NM_001354332.2); c.2954T>C, p.Phe985Ser (NM_001354333.2, NM_001354335.2, NM_001354337.2 and 2 more transcripts); c.2660T>C, p.Phe887Ser (NM_001354336.2); c.2900T>C, p.Phe967Ser (NM_001354338.2, NM_001354340.2, NM_001354344.2); c.2714T>C, p.Phe905Ser (NM_001354339.2, NM_001354342.2, NM_001354343.2); c.3428T>C (NM_015158.2); short protein forms F1063S, F1143S, F1125S, F887S, F967S, F905S, F985S.
Identifiers: ClinVar variation 3022469 (VCV003022469.4), dbSNP rs1834369113, ClinGen allele CA372759193.